The following is an entry in ClinVar:

NM_014712.3(SETD1A):c.1345C>G (p.Pro449Ala)

Gene: SETD1A (SET domain containing 1A, histone lysine methyltransferase; plus strand). Cytogenetic location: 16p11.2.
Variant type: single nucleotide variant.
Coding change: c.1345C>G on transcript NM_014712.3 (MANE Select); coding-DNA position 1345, C replaced by G.
Protein change: p.Pro449Ala; replaces proline 449 with alanine.
Molecular consequence: missense variant.
Genome position (GRCh38, 1-based): chr16:30,965,087, C>G. VCF-style: chr16-30965087-C-G. GRCh37 (hg19) VCF-style: chr16-30976408-C-G.
Other names: c.1345C>G (NM_014712.2, NM_014712.1); short protein forms P449A.
Identifiers: ClinVar variation 1342592 (VCV001342592.3), dbSNP rs1021150813, ClinGen allele CA280579698.

ClinVar aggregate classification (germline): Uncertain significance. Review status: criteria provided, multiple submitters, no conflicts (2 of 4 stars). 3 submissions from 3 submitters: Uncertain significance (3). Last evaluated 2024-06-11.

Conditions:
SETD1A-related disorder. Also called: SETD1A-related condition.
Epilepsy, early-onset, with or without developmental delay. Identifiers: MedGen C5882670, MONDO:0030005, OMIM 618832.
Inborn genetic diseases. Identifiers: MedGen C0950123, MeSH D030342.

Allele frequency attached by ClinVar (database versions not stated): gnomAD 0.00004; TOPMed 0.00005.
gnomAD v4.1: 10 of 1,611,200 alleles (0.00062%); highest among the groups gnomAD compares: Admixed American, 0.0067%; no homozygotes.

Submissions (3):

Ambry Genetics
Classification: Uncertain significance for Inborn genetic diseases. Last evaluated: 2024-06-11. Review status: criteria provided, single submitter. Criteria: Ambry Variant Classification Scheme 2023. Collection method: clinical testing. Allele origin: germline.

PreventionGenetics, part of Exact Sciences
Classification: Uncertain significance for SETD1A-related condition. Last evaluated: 2022-09-28. Review status: criteria provided, single submitter. Criteria: ACMG Guidelines, 2015. Collection method: clinical testing. Allele origin: germline.
Comment: The SETD1A c.1345C>G variant is predicted to result in the amino acid substitution p.Pro449Ala. To our knowledge, this variant has not been reported in the literature or in a large population database, indicating this variant is rare. At this time, the clinical significance of this variant is uncertain due to the absence of conclusive functional and genetic evidence.

New York Genome Center
Classification: Uncertain significance for Epilepsy, early-onset, with or without developmental delay. Last evaluated: 2021-04-23. Review status: criteria provided, single submitter. Criteria: NYGC Assertion Criteria 2020. Collection method: clinical testing. Allele origin: inherited. Observed: 1 heterozygote. Study: CSER-NYCKidSeq.